The following is an entry in ClinVar:

NM_002968.3(SALL1):c.2283_2284del (p.Leu762fs)

Gene: SALL1 (spalt like transcription factor 1; minus strand). Cytogenetic location: 16q12.1.
Variant type: Deletion.
Coding change: c.2283_2284del on transcript NM_002968.3 (MANE Select); coding-DNA positions 2283 to 2284, 2 bases deleted (GC; older notation c.2283_2284delGC).
Protein change: p.Leu762fs; shifts the reading frame from leucine 762.
Molecular consequence: frameshift variant.
Genome position (GRCh38, 1-based): chr16:51,139,938-51,139,939, GC deleted on the plus strand (GC on the coding strand, the reverse complement: SALL1 is on the minus strand); deleting any 2 consecutive bases within chr16:51,139,938-51,139,940 gives the same sequence; the c. name uses the placement nearest the transcript's 3' end. VCF-style (leftmost placement, unchanged base first): chr16-51139937-AGC-A. GRCh37 (hg19) VCF-style: chr16-51173848-AGC-A.
Other names: c.1992_1993del, p.Leu665fs (NM_001127892.2); short protein forms L665fs, L762fs.
Identifiers: ClinVar variation 2681784 (VCV002681784.2), dbSNP rs2506487537.

ClinVar aggregate classification (germline): Pathogenic (1 of 4 stars; one submission).

Conditions:
Townes-Brocks syndrome 1 (TBS1). Also called: DEAFNESS, SENSORINEURAL, WITH IMPERFORATE ANUS AND THUMB ANOMALIES; REAR SYNDROME; RENAL-EAR-ANAL-RADIAL SYNDROME; SALL1-Related Townes-Brocks Syndrome. Identifiers: Orphanet 857, MedGen C4551481, MONDO:0054581, OMIM 107480.

Submission:

Precision Medicine Center, Zhengzhou University
Classification: Pathogenic for Townes-Brocks syndrome 1. Last evaluated: 2023-12-01. Review status: criteria provided, single submitter. Criteria: ACMG Guidelines, 2015. Collection method: clinical testing. Allele origin: de novo. Affected: yes.
Comment: PVS1,PS2,PM2_p